The following is an entry in ClinVar:

ClinVar aggregate classification (germline): Pathogenic (1 of 4 stars; one submission).

Conditions:
Citrin deficiency. Identifiers: Orphanet 247582, MedGen C1997910, MONDO:0016602.

Submission:

Labcorp Genetics (formerly Invitae), Labcorp
Classification: Pathogenic for Citrin deficiency. Last evaluated: 2023-04-19. Review status: criteria provided, single submitter. Criteria: Invitae Variant Classification Sherloc (09022015). Collection method: clinical testing. Allele origin: germline.
Comment: This sequence change creates a premature translational stop signal (p.Leu548*) in the SLC25A13 gene. It is expected to result in an absent or disrupted protein product. Loss-of-function variants in SLC25A13 are known to be pathogenic (PMID: 10369257, 14680984, 27405544). This variant is not present in population databases (gnomAD no frequency). This variant has not been reported in the literature in individuals affected with SLC25A13-related conditions. For these reasons, this variant has been classified as Pathogenic.

Literature cited by the submitters: PubMed 10369257; PubMed 14680984; PubMed 27405544.

NM_014251.3(SLC25A13):c.1643T>G (p.Leu548Ter)

Gene: SLC25A13 (solute carrier family 25 member 13; minus strand). Cytogenetic location: 7q21.3.
Variant type: single nucleotide variant.
Coding change: c.1643T>G on transcript NM_014251.3 (MANE Select); coding-DNA position 1643, T replaced by G.
Protein change: p.Leu548Ter; replaces leucine 548 with a stop codon.
Molecular consequence: nonsense. On other transcripts: non-coding transcript variant (1).
Genome position (GRCh38, 1-based): chr7:96,121,946, A>C on the plus strand (T>G on the coding strand, the complement: SLC25A13 is on the minus strand). VCF-style: chr7-96121946-A-C. GRCh37 (hg19) VCF-style: chr7-95751258-A-C.
Other names: c.1646T>G, p.Leu549Ter (NM_001160210.2); short protein forms L548*, L549*.
Identifiers: ClinVar variation 2835375 (VCV002835375.3), dbSNP rs2485543530, ClinGen allele CA368258382.
Genomic context (GRCh38, chr7:96,121,946, plus strand): 5'-TTTCTAAAGCAGTCTATCACTCCGCTGTAAGTGGTTTGGCCAGCCCGGGCAGCCACCTGT[A>C]ATCTCGTCTTGATAACATCAGCAGGGGTCACTAAAGATGCTGCAGGCATACCTGCAGGAG-3'